The following is an entry in ClinVar:

ClinVar aggregate classification (germline): Uncertain significance (1 of 4 stars; one submission).

Conditions:
Tuberous sclerosis 2 (TSC2). Identifiers: Orphanet 805, MedGen C1860707, MONDO:0013199, OMIM 613254.

Allele frequency attached by ClinVar (database versions not stated): gnomAD exomes below 0.00001 and 0.00001.
gnomAD v4.1: 2 of 1,613,644 alleles (0.00012%); highest among the groups gnomAD compares: East Asian, 0.0022%; no homozygotes.

Submission:

Labcorp Genetics (formerly Invitae), Labcorp
Classification: Uncertain significance for Tuberous sclerosis 2. Last evaluated: 2019-05-15. Review status: criteria provided, single submitter. Criteria: Invitae Variant Classification Sherloc (09022015). Collection method: clinical testing. Allele origin: germline.
Comment: This sequence change replaces threonine with alanine at codon 760 of the TSC2 protein (p.Thr760Ala). The threonine residue is highly conserved and there is a small physicochemical difference between threonine and alanine. This variant is not present in population databases (ExAC no frequency). This variant has not been reported in the literature in individuals with TSC2-related conditions. Algorithms developed to predict the effect of missense changes on protein structure and function are either unavailable or do not agree on the potential impact of this missense change (SIFT: "Deleterious"; PolyPhen-2: "Benign"; Align-GVGD: "Class C0"). In summary, the available evidence is currently insufficient to determine the role of this variant in disease. Therefore, it has been classified as a Variant of Uncertain Significance.

NM_000548.5(TSC2):c.2278A>G (p.Thr760Ala)

Gene: TSC2 (TSC complex subunit 2; plus strand). Cytogenetic location: 16p13.3.
Variant type: single nucleotide variant.
Coding change: c.2278A>G on transcript NM_000548.5 (MANE Select); coding-DNA position 2278, A replaced by G.
Protein change: p.Thr760Ala; replaces threonine 760 with alanine.
Molecular consequence: missense variant.
Genome position (GRCh38, 1-based): chr16:2,072,906, A>G. VCF-style: chr16-2072906-A-G. GRCh37 (hg19) VCF-style: chr16-2122907-A-G.
Other names: c.2131A>G, p.Thr711Ala (NM_001318829.2); c.1678A>G, p.Thr560Ala (NM_001318831.2); c.2311A>G, p.Thr771Ala (NM_001318832.2); c.2278A>G, p.Thr760Ala (NM_001363528.2, NM_001370404.1, NM_001370405.1 and 3 more transcripts); c.2167A>G, p.Thr723Ala (NM_001318827.2); short protein forms T560A, T711A, T723A, T760A, T771A.
Identifiers: ClinVar variation 933685 (VCV000933685.1), dbSNP rs1213793365, ClinGen allele CA394276566.